The following is an entry in ClinVar:

NM_000222.3(KIT):c.2596+6A>G

Gene: KIT (KIT proto-oncogene, receptor tyrosine kinase; plus strand). Cytogenetic location: 4q12.
Variant type: single nucleotide variant.
Coding change: c.2596+6A>G on transcript NM_000222.3 (MANE Select); 6 bases into the intron after coding-DNA position 2596, A replaced by G.
Molecular consequence: intron variant.
Genome position (GRCh38, 1-based): chr4:54,736,615, A>G. VCF-style: chr4-54736615-A-G. GRCh37 (hg19) VCF-style: chr4-55602781-A-G.
Other names: c.2599+6A>G (NM_001385284.1); c.2596+6A>G (NM_001385290.1); c.2587+6A>G (NM_001385288.1); c.2584+6A>G (NM_001385292.1, NM_001093772.2); c.2593+6A>G (NM_001385285.1); c.2581+6A>G (NM_001385286.1).
Identifiers: ClinVar variation 1015564 (VCV001015564.7), dbSNP rs1168440042, ClinGen allele CA796356276.
Genomic context (GRCh38, chr4:54,736,615, plus strand): 5'-TTTGAAAGTGACGTCTGGTCCTATGGGATTTTTCTTTGGGAGCTGTTCTCTTTAGGTAAA[A>G]TGATCCTTGCCAAAGACAACTTCATTAGACTCAGAGCATCTTCTTGAAGTTTCATTGGTG-3'

ClinVar aggregate classification (germline): Uncertain significance (1 of 4 stars; one submission).

Conditions:
Gastrointestinal stromal tumor. Also called: Gastrointestinal stromal tumor, somatic; Gastrointestinal stroma tumor. Identifiers: Orphanet 44890, MedGen C0238198, MeSH D046152, MONDO:0011719, OMIM 606764, HP:0100723.

Allele frequency attached by ClinVar (database versions not stated): TOPMed 0.00001.

Submission:

Labcorp Genetics (formerly Invitae), Labcorp
Classification: Uncertain significance for Gastrointestinal stromal tumor. Last evaluated: 2023-05-25. Review status: criteria provided, single submitter. Criteria: Invitae Variant Classification Sherloc (09022015). Collection method: clinical testing. Allele origin: germline.
Comment: In summary, the available evidence is currently insufficient to determine the role of this variant in disease. Therefore, it has been classified as a Variant of Uncertain Significance. Variants that disrupt the consensus splice site are a relatively common cause of aberrant splicing (PMID: 17576681, 9536098). Algorithms developed to predict the effect of sequence changes on RNA splicing suggest that this variant is not likely to affect RNA splicing. ClinVar contains an entry for this variant (Variation ID: 1015564). This variant has not been reported in the literature in individuals affected with KIT-related conditions. This variant is not present in population databases (gnomAD no frequency). This sequence change falls in intron 18 of the KIT gene. It does not directly change the encoded amino acid sequence of the KIT protein. It affects a nucleotide within the consensus splice site.

Literature cited by the submitters: PubMed 17576681; PubMed 9536098.